The following is an entry in ClinVar:

ClinVar aggregate classification (germline): Uncertain significance (1 of 4 stars; one submission).

Submission:

GeneDx
Classification: Uncertain significance. Last evaluated: 2023-11-17. Review status: criteria provided, single submitter. Criteria: GeneDx Variant Classification Process June 2021. Collection method: clinical testing. Allele origin: germline. Affected: yes.
Comment: Not observed at significant frequency in large population cohorts (gnomAD); Has not been previously published as pathogenic or benign to our knowledge; In silico analysis is inconclusive as to whether the variant alters gene splicing. In the absence of RNA/functional studies, the actual effect of this sequence change is unknown.

NM_000156.6(GAMT):c.182-14_182-13del

Gene: GAMT (guanidinoacetate N-methyltransferase; minus strand). Cytogenetic location: 19p13.3.
Variant type: Deletion.
Coding change: c.182-14_182-13del on transcript NM_000156.6 (MANE Select); 14 bases into the intron before coding-DNA position 182 through 13 bases into the intron before coding-DNA position 182, 2 bases deleted (CT; older notation c.182-14_182-13delCT).
Molecular consequence: intron variant.
Genome position (GRCh38, 1-based): chr19:1,399,951-1,399,952, AG deleted on the plus strand (CT on the coding strand, the reverse complement: GAMT is on the minus strand). VCF-style (leftmost placement, unchanged base first): chr19-1399950-CAG-C. GRCh37 (hg19) VCF-style: chr19-1399949-CAG-C.
Other names: c.182-14_182-13del (NM_138924.3).
Identifiers: ClinVar variation 3364041 (VCV003364041.1).